The following is an entry in ClinVar:

NM_001243177.4(ALDOA):c.702+3G>A

Genes: ALDOA (aldolase, fructose-bisphosphate A; plus strand), LOC112694756 (uncharaterized LOC112694756; plus strand). Cytogenetic location: 16p11.2.
Variant type: single nucleotide variant.
Coding change: c.702+3G>A on transcript NM_001243177.4 (MANE Select); 3 bases into the intron after coding-DNA position 702, G replaced by A.
Molecular consequence: intron variant.
Genome position (GRCh38, 1-based): chr16:30,068,981, G>A. VCF-style: chr16-30068981-G-A. GRCh37 (hg19) VCF-style: chr16-30080302-G-A.
Other names: c.*1049+3G>A (NM_001365304.2, NM_001365307.2, NM_001365305.2); c.540+3G>A (NM_184043.2, NM_001127617.2, NM_184041.5).
Identifiers: ClinVar variation 1011844 (VCV001011844.6), dbSNP rs2072219927, ClinGen allele CA2216409928.

ClinVar aggregate classification (germline): Uncertain significance (1 of 4 stars; one submission).

Conditions:
HNSHA due to aldolase A deficiency (GSD12). Also called: GSD XII; RED CELL ALDOLASE DEFICIENCY; GLYCOGEN STORAGE DISEASE XII; Glycogen storage disease due to aldolase A deficiency. Identifiers: Orphanet 57, MedGen C0272066, MONDO:0012747, OMIM 611881.

Allele frequency attached by ClinVar (database versions not stated): gnomAD exomes below 0.00001.
gnomAD v4.1: 1 of 1,614,194 alleles (0.000062%); highest among the groups gnomAD compares: African/African-American, 0.0013%; no homozygotes.

Submission:

Labcorp Genetics (formerly Invitae), Labcorp
Classification: Uncertain significance for HNSHA due to aldolase A deficiency. Last evaluated: 2020-10-11. Review status: criteria provided, single submitter. Criteria: Invitae Variant Classification Sherloc (09022015). Collection method: clinical testing. Allele origin: germline.
Comment: In summary, the available evidence is currently insufficient to determine the role of this variant in disease. Therefore, it has been classified as a Variant of Uncertain Significance. Nucleotide substitutions within the consensus splice site are a relatively common cause of aberrant splicing (PMID: 17576681, 9536098). Algorithms developed to predict the effect of sequence changes on RNA splicing suggest that this variant is not likely to affect RNA splicing, but this prediction has not been confirmed by published transcriptional studies. This variant has not been reported in the literature in individuals with ALDOA-related conditions. This variant is not present in population databases (ExAC no frequency). This sequence change falls in intron 10 of the ALDOA gene. It does not directly change the encoded amino acid sequence of the ALDOA protein, but it affects a nucleotide within the consensus splice site of the intron.

Literature cited by the submitters: PubMed 17576681; PubMed 9536098.